The following is an entry in ClinVar:

NM_144973.4(DENND5B):c.3343G>A (p.Gly1115Arg)

Gene: DENND5B (DENN domain containing 5B; minus strand). Cytogenetic location: 12p11.21.
Variant type: single nucleotide variant.
Coding change: c.3343G>A on transcript NM_144973.4 (MANE Select); coding-DNA position 3343, G replaced by A.
Protein change: p.Gly1115Arg; replaces glycine 1115 with arginine.
Molecular consequence: missense variant.
Genome position (GRCh38, 1-based): chr12:31,392,390, C>T on the plus strand (G>A on the coding strand, the complement: DENND5B is on the minus strand). VCF-style: chr12-31392390-C-T. GRCh37 (hg19) VCF-style: chr12-31545324-C-T.
Other names: c.3448G>A, p.Gly1150Arg (NM_001308339.2); short protein forms G1115R, G1150R.
Identifiers: ClinVar variation 4528183 (VCV004528183.1).

ClinVar aggregate classification (germline): Uncertain significance (1 of 4 stars; one submission).

Submission:

GeneDx
Classification: Uncertain significance. Last evaluated: 2025-05-08. Review status: criteria provided, single submitter. Criteria: GeneDx Variant Classification Process June 2021. Collection method: clinical testing. Allele origin: germline. Affected: yes.
Comment: Not observed at significant frequency in large population cohorts (gnomAD); In silico analysis supports that this missense variant has a deleterious effect on protein structure/function; In silico analysis suggests this variant may impact gene splicing. In the absence of RNA/functional studies, the actual effect of this sequence change is unknown.; Has not been previously published as pathogenic or benign to our knowledge